The following is an entry in ClinVar:

ClinVar aggregate classification (germline): Uncertain significance (1 of 4 stars; one submission).

Conditions:
Hereditary cancer-predisposing syndrome. Also called: Neoplastic Syndromes, Hereditary; Tumor predisposition; Hereditary Cancer Syndrome; Hereditary neoplastic syndrome. Identifiers: Orphanet 140162, MedGen C0027672, MeSH D009386, MONDO:0015356.

Allele frequency attached by ClinVar (database versions not stated): gnomAD exomes below 0.00001.

Submission:

Ambry Genetics
Classification: Uncertain significance for Hereditary cancer-predisposing syndrome. Last evaluated: 2021-07-30. Review status: criteria provided, single submitter. Criteria: Ambry Variant Classification Scheme 2023. Collection method: clinical testing. Allele origin: germline.
Comment: The p.S1106P variant (also known as c.3316T>C), located in coding exon 20 of the DICER1 gene, results from a T to C substitution at nucleotide position 3316. The serine at codon 1106 is replaced by proline, an amino acid with similar properties. This amino acid position is well conserved in available vertebrate species. In addition, this alteration is predicted to be tolerated by in silico analysis. Since supporting evidence is limited at this time, the clinical significance of this alteration remains unclear.

NM_177438.3(DICER1):c.3316T>C (p.Ser1106Pro)

Gene: DICER1 (dicer 1, ribonuclease III; minus strand). Cytogenetic location: 14q32.13.
Variant type: single nucleotide variant.
Coding change: c.3316T>C on transcript NM_177438.3 (MANE Select); coding-DNA position 3316, T replaced by C.
Protein change: p.Ser1106Pro; replaces serine 1106 with proline.
Molecular consequence: missense variant. On other transcripts: non-coding transcript variant (4).
Genome position (GRCh38, 1-based): chr14:95,104,080, A>G on the plus strand (T>C on the coding strand, the complement: DICER1 is on the minus strand). VCF-style: chr14-95104080-A-G. GRCh37 (hg19) VCF-style: chr14-95570417-A-G.
Other names: c.3316T>C, p.Ser1106Pro (NM_001395682.1, NM_001395683.1, NM_001271282.3 and 13 more transcripts); c.3034T>C, p.Ser1012Pro (NM_001395686.1); c.2911T>C, p.Ser971Pro (NM_001395687.1, NM_001395688.1, NM_001395689.1 and 2 more transcripts); c.2749T>C, p.Ser917Pro (NM_001395691.1); c.1633T>C, p.Ser545Pro (NM_001395697.1); short protein forms S545P, S971P, S1106P, S917P, S1012P.
Identifiers: ClinVar variation 1730140 (VCV001730140.2), dbSNP rs2542721440, ClinGen allele CA390875937.